The following is an entry in ClinVar:

NM_005004.4(NDUFB8):c.86-4C>T

Gene: NDUFB8 (NADH:ubiquinone oxidoreductase subunit B8; minus strand). Cytogenetic location: 10q24.31.
Variant type: single nucleotide variant.
Coding change: c.86-4C>T on transcript NM_005004.4 (MANE Select); 4 bases into the intron before coding-DNA position 86, C replaced by T.
Molecular consequence: intron variant.
Genome position (GRCh38, 1-based): chr10:100,529,510, G>A on the plus strand (C>T on the coding strand, the complement: NDUFB8 is on the minus strand). VCF-style: chr10-100529510-G-A. GRCh37 (hg19) VCF-style: chr10-102289267-G-A.
Other names: c.-8-4C>T (NM_001284368.1); c.86-4C>T (NM_001284367.2).
Identifiers: ClinVar variation 2079478 (VCV002079478.5), dbSNP rs201988389, ClinGen allele CA5650260.

ClinVar aggregate classification (germline): Conflicting classifications of pathogenicity. Review status: criteria provided, conflicting classifications (1 of 4 stars). 2 submissions from 2 submitters: Uncertain significance (1); Likely benign (1). Last evaluated 2025-08-10.

Conditions:
Inborn genetic diseases. Identifiers: MedGen C0950123, MeSH D030342.

Allele frequency attached by ClinVar (database versions not stated): gnomAD exomes 0.00004; ExAC 0.00013; 1000 Genomes Project 30x 0.00016; 1000 Genomes Project 0.00020; gnomAD 0.00041; TOPMed 0.00050; ESP Exome Variant Server 0.00054.

Submissions (2):

Labcorp Genetics (formerly Invitae), Labcorp
Classification: Likely benign. Last evaluated: 2025-08-10. Review status: criteria provided, single submitter. Criteria: Invitae Variant Classification Sherloc (09022015). Collection method: clinical testing. Allele origin: germline.

Ambry Genetics
Classification: Uncertain significance for Inborn genetic diseases. Last evaluated: 2021-07-14. Review status: criteria provided, single submitter. Criteria: Ambry Variant Classification Scheme 2023. Collection method: clinical testing. Allele origin: germline.
Comment: The c.86-4C>T intronic alteration consists of a C to T substitution 4 nucleotides before coding exon 2 in the NDUFB8 gene. Based on insufficient or conflicting evidence, the clinical significance of this alteration remains unclear.